The following is an entry in ClinVar:

NM_000455.5(STK11):c.834_858del (p.Asp277_Cys278insTer)

Gene: STK11 (serine/threonine kinase 11; plus strand). Cytogenetic location: 19p13.3.
Variant type: Deletion.
Coding change: c.834_858del on transcript NM_000455.5 (MANE Select); coding-DNA positions 834 to 858, 25 bases deleted (TGGCCCCCCGCTCTCTGACCTGCTG).
Protein change: p.Asp277_Cys278insTer.
Molecular consequence: nonsense. On other transcripts: frameshift variant (1).
Genome position (GRCh38, 1-based): chr19:1,221,312-1,221,336, TGGCCCCCCGCTCTCTGACCTGCTG deleted; deleting any 25 consecutive bases within chr19:1,221,309-1,221,336 gives the same sequence; the c. name uses the placement nearest the transcript's 3' end. VCF-style (leftmost placement, unchanged base first): chr19-1221308-ACTGTGGCCCCCCGCTCTCTGACCTG-A. GRCh37 (hg19) VCF-style: chr19-1221307-ACTGTGGCCCCCCGCTCTCTGACCTG-A.
Other names: c.834_858del25, p.Cys278Terfs (NM_001407255.1).
Identifiers: ClinVar variation 2018950 (VCV002018950.4), dbSNP rs2512945334, ClinGen allele CA2580096112.

ClinVar aggregate classification (germline): Pathogenic (1 of 4 stars; one submission).

Conditions:
Peutz-Jeghers syndrome (PJS). Also called: POLYPOSIS, HAMARTOMATOUS INTESTINAL; POLYPS-AND-SPOTS SYNDROME; Peutz-Jeghers polyposis; Periorificial lentiginosis syndrome. Identifiers: Orphanet 2869, MedGen C0031269, MeSH D010580, MONDO:0008280, OMIM 175200.

Submission:

Labcorp Genetics (formerly Invitae), Labcorp
Classification: Pathogenic for Peutz-Jeghers syndrome. Last evaluated: 2022-07-22. Review status: criteria provided, single submitter. Criteria: Invitae Variant Classification Sherloc (09022015). Collection method: clinical testing. Allele origin: germline.
Comment: This variant is not present in population databases (gnomAD no frequency). This sequence change creates a premature translational stop signal (p.Cys278*) in the STK11 gene. It is expected to result in an absent or disrupted protein product. Loss-of-function variants in STK11 are known to be pathogenic (PMID: 15188174, 16287113). This variant has not been reported in the literature in individuals affected with STK11-related conditions. For these reasons, this variant has been classified as Pathogenic.

Literature cited by the submitters: PubMed 15188174; PubMed 16287113.